The following is an entry in ClinVar:

NM_015294.6(TRIM37):c.21+1G>T

Gene: TRIM37 (tripartite motif containing 37; minus strand). Cytogenetic location: 17q22.
Variant type: single nucleotide variant.
Coding change: c.21+1G>T on transcript NM_015294.6 (MANE Select); the canonical splice donor site of the intron after coding-DNA position 21, G replaced by T.
Molecular consequence: splice donor variant.
Genome position (GRCh38, 1-based): chr17:59,106,440, C>A on the plus strand (G>T on the coding strand, the complement: TRIM37 is on the minus strand). VCF-style: chr17-59106440-C-A. GRCh37 (hg19) VCF-style: chr17-57183801-C-A.
Other names: c.21+1G>T (NM_001320989.3, NM_001005207.5, NM_001320987.3 and 4 more transcripts); c.-252+1G>T (NM_001353085.2); c.-732+1G>T (NM_001353083.2); c.-422+1G>T (NM_001320990.3).
Identifiers: ClinVar variation 2729986 (VCV002729986.3), dbSNP rs1347597816, ClinGen allele CA400400450.

ClinVar aggregate classification (germline): Likely pathogenic (1 of 4 stars; one submission).

Submission:

Labcorp Genetics (formerly Invitae), Labcorp
Classification: Likely pathogenic. Last evaluated: 2023-06-27. Review status: criteria provided, single submitter. Criteria: Invitae Variant Classification Sherloc (09022015). Collection method: clinical testing. Allele origin: germline.
Comment: This variant has not been reported in the literature in individuals affected with TRIM37-related conditions. This sequence change affects a donor splice site in intron 1 of the TRIM37 gene. It is expected to disrupt RNA splicing. Variants that disrupt the donor or acceptor splice site typically lead to a loss of protein function (PMID: 16199547), and loss-of-function variants in TRIM37 are known to be pathogenic (PMID: 10888877, 15108285). This variant is not present in population databases (gnomAD no frequency). Algorithms developed to predict the effect of sequence changes on RNA splicing suggest that this variant may disrupt the consensus splice site. In summary, the currently available evidence indicates that the variant is pathogenic, but additional data are needed to prove that conclusively. Therefore, this variant has been classified as Likely Pathogenic.

Literature cited by the submitters: PubMed 16199547; PubMed 10888877; PubMed 15108285.